The following is an entry in ClinVar:

ClinVar aggregate classification (germline): Likely benign. Review status: criteria provided, single submitter (1 of 4 stars). 2 submissions from 2 submitters: Likely benign (1). 1 of the submissions does not count toward it. Last evaluated 2017-10-23.

Conditions:
HECW2-related disorder. Also called: HECW2-related condition.

Allele frequency attached by ClinVar (database versions not stated): gnomAD exomes 0.00002; ExAC 0.00003; gnomAD 0.00005 and 0.00006; TOPMed 0.00012; ESP Exome Variant Server 0.00015.
gnomAD v4.1: 14 of 1,594,698 alleles (0.00088%); highest among the groups gnomAD compares: African/African-American, 0.013%; no homozygotes.

Submissions (2):

Labcorp Genetics (formerly Invitae), Labcorp
Classification: Likely benign. Last evaluated: 2017-10-23. Review status: criteria provided, single submitter. Criteria: Invitae Variant Classification Sherloc (09022015). Collection method: clinical testing. Allele origin: germline.

PreventionGenetics, part of Exact Sciences
Classification: Likely benign for HECW2-related condition. Last evaluated: 2019-05-21. Review status: no assertion criteria provided. Collection method: clinical testing. Allele origin: germline. Not counted in ClinVar's aggregate classification.
Comment: This variant is classified as likely benign based on ACMG/AMP sequence variant interpretation guidelines (Richards et al. 2015 PMID: 25741868, with internal and published modifications).

NM_001348768.2(HECW2):c.1782C>T (p.Ala594=)

Gene: HECW2 (HECT, C2 and WW domain containing E3 ubiquitin protein ligase 2; minus strand). Cytogenetic location: 2q32.3.
Variant type: single nucleotide variant.
Coding change: c.1782C>T on transcript NM_001348768.2 (MANE Select); coding-DNA position 1782, C replaced by T.
Protein change: p.Ala594=; no amino-acid change (alanine 594 retained).
Molecular consequence: synonymous variant.
Genome position (GRCh38, 1-based): chr2:196,319,108, G>A on the plus strand (C>T on the coding strand, the complement: HECW2 is on the minus strand). VCF-style: chr2-196319108-G-A. GRCh37 (hg19) VCF-style: chr2-197183832-G-A.
Other names: c.714C>T, p.Ala238= (NM_001304840.3); c.1782C>T, p.Ala594= (NM_020760.4).
Identifiers: ClinVar variation 729069 (VCV000729069.5), dbSNP rs139112095, ClinGen allele CA2038262.